The following is an entry in ClinVar:

NM_012082.4(ZFPM2):c.2969G>A (p.Ser990Asn)

Genes: ZFPM2 (zinc finger protein, FOG family member 2; plus strand), ZFPM2-AS1 (ZFPM2 antisense RNA 1; minus strand), LOC126860469 (BRD4-independent group 4 enhancer GRCh37_chr8:106814445-106815644; plus strand). Cytogenetic location: 8q23.1.
Variant type: single nucleotide variant.
Coding change: c.2969G>A on transcript NM_012082.4 (MANE Select); coding-DNA position 2969, G replaced by A.
Protein change: p.Ser990Asn; replaces serine 990 with asparagine.
Molecular consequence: missense variant.
Genome position (GRCh38, 1-based): chr8:105,803,051, G>A. VCF-style: chr8-105803051-G-A. GRCh37 (hg19) VCF-style: chr8-106815279-G-A.
Other names: c.2810G>A, p.Ser937Asn (NM_001362836.2); c.2573G>A, p.Ser858Asn (NM_001362837.2); short protein forms S937N, S990N, S858N.
Identifiers: ClinVar variation 638874 (VCV000638874.11), dbSNP rs201707218, ClinGen allele CA4839996.

ClinVar aggregate classification (germline): Uncertain significance. Review status: criteria provided, multiple submitters, no conflicts (2 of 4 stars). 2 submissions from 2 submitters: Uncertain significance (2). Last evaluated 2025-08-25.

Conditions:
Inborn genetic diseases. Identifiers: MedGen C0950123, MeSH D030342.
46,XY sex reversal 9 (SRXY9). Also called: 46,XY SEX REVERSAL, ZFPM2-RELATED. Identifiers: Orphanet 251510, MedGen C4015129, MONDO:0014480, OMIM 616067.

Allele frequency attached by ClinVar (database versions not stated): TOPMed 0.00022; gnomAD 0.00029; ESP Exome Variant Server 0.00042.
gnomAD v4.1: 445 of 1,613,556 alleles (0.028%); highest among the groups gnomAD compares: Non-Finnish European, 0.034%; 1 homozygote.

Submissions (2):

Ambry Genetics
Classification: Uncertain significance for Inborn genetic diseases. Last evaluated: 2025-08-25. Review status: criteria provided, single submitter. Criteria: Ambry Variant Classification Scheme 2023. Collection method: clinical testing. Allele origin: germline.

Labcorp Genetics (formerly Invitae), Labcorp
Classification: Uncertain significance for 46,XY sex reversal 9. Last evaluated: 2023-09-25. Review status: criteria provided, single submitter. Criteria: Invitae Variant Classification Sherloc (09022015). Collection method: clinical testing. Allele origin: germline.
Comment: This sequence change replaces serine, which is neutral and polar, with asparagine, which is neutral and polar, at codon 990 of the ZFPM2 protein (p.Ser990Asn). This variant is present in population databases (rs201707218, gnomAD 0.05%), and has an allele count higher than expected for a pathogenic variant. This variant has not been reported in the literature in individuals affected with ZFPM2-related conditions. ClinVar contains an entry for this variant (Variation ID: 638874). An algorithm developed to predict the effect of missense changes on protein structure and function (PolyPhen-2) suggests that this variant is likely to be tolerated. In summary, the available evidence is currently insufficient to determine the role of this variant in disease. Therefore, it has been classified as a Variant of Uncertain Significance.